The following is an entry in ClinVar:

ClinVar aggregate classification (germline): Likely pathogenic (1 of 4 stars; one submission).

Conditions:
Joubert syndrome 21 (JBTS21). Identifiers: MedGen C3810212, MONDO:0014288, OMIM 615636.

Submission:

Juno Genomics, Hangzhou Juno Genomics, Inc
Classification: Likely pathogenic for Joubert syndrome 21. Review status: criteria provided, single submitter. Criteria: ACMG Guidelines, 2015. Collection method: clinical testing. Allele origin: germline.
Comment: Null variant in a gene where loss of function (LOF) is a known mechanism of disease.;Absent from controls (or at extremely low frequency if recessive) in Genome Aggregation Database.

NM_001382391.1(CSPP1):c.3353_3356delinsAG (p.Ala1118fs)

Genes: ARFGEF1 (ARF guanine nucleotide exchange factor 1; minus strand), CSPP1 (centrosome and spindle pole associated protein 1; plus strand). Cytogenetic location: 8q13.2.
Variant type: Indel.
Coding change: c.3353_3356delinsAG on transcript NM_001382391.1 (MANE Select); coding-DNA positions 3353 to 3356, CACC replaced by AG.
Protein change: p.Ala1118fs; shifts the reading frame from alanine 1118.
Molecular consequence: frameshift variant. On other transcripts: intron variant (3).
Genome position (GRCh38, 1-based): chr8:67,193,486-67,193,489, CACC replaced by AG. VCF-style: chr8-67193486-CACC-AG. GRCh37 (hg19) VCF-style: chr8-68105721-CACC-AG.
Other names: c.2303_2306delinsAG, p.Ala768fs (NM_001291339.2); c.3272_3275delinsAG, p.Ala1091fs (NM_001363131.2); c.3158_3161delinsAG, p.Ala1053fs (NM_001363132.2); c.3077_3080delinsAG, p.Ala1026fs (NM_001363133.2); c.3419_3422delinsAG, p.Ala1140fs (NM_001364869.1); c.3239_3242delinsAG, p.Ala1080fs (NM_001364870.1); c.3185_3188delinsAG, p.Ala1062fs (NM_001438330.1); c.2654_2657delinsAG, p.Ala885fs (NM_001438332.1); and 4 more; short protein forms A885fs, A1091fs, A1118fs, A1026fs, A1080fs, A1113fs, A768fs, A1053fs.
Identifiers: ClinVar variation 5007337 (VCV005007337.2).